The following is an entry in ClinVar:

NM_005271.5(GLUD1):c.304G>C (p.Val102Leu)

Gene: GLUD1 (glutamate dehydrogenase 1; minus strand). Cytogenetic location: 10q23.2.
Variant type: single nucleotide variant.
Coding change: c.304G>C on transcript NM_005271.5 (MANE Select); coding-DNA position 304, G replaced by C.
Protein change: p.Val102Leu; replaces valine 102 with leucine.
Molecular consequence: missense variant. On other transcripts: 5 prime UTR variant (3).
Genome position (GRCh38, 1-based): chr10:87,094,466, C>G on the plus strand (G>C on the coding strand, the complement: GLUD1 is on the minus strand). VCF-style: chr10-87094466-C-G. GRCh37 (hg19) VCF-style: chr10-88854223-C-G.
Other names: c.-425G>C (NM_001318904.2); c.-551G>C (NM_001318905.2); c.-258G>C (NM_001318906.2); short protein forms V102L.
Identifiers: ClinVar variation 4991793 (VCV004991793.1).
Genomic context (GRCh38, chr10:87,094,466, plus strand): 5'-TGGGGAAGGAGAGACTCAGCACATGGTTGCAGGGCTTGATGATCCGCAGGATGCCGCGCA[C>G]CCGGTTCCGCTTCTGCTCCTCGCTCTCCCGGGTCCTCAGGTCCTCCACCAGCTTGTCCTC-3'
Protein context (NP_005262.1, residues 92-112): RESEEQKRNR[Val102Leu]RGILRIIKPC

ClinVar aggregate classification (germline): Uncertain significance (1 of 4 stars; one submission).

Conditions:
GLUD1-related disorder. Also called: GLUD1-related condition.

Submission:

PreventionGenetics, part of Exact Sciences
Classification: Uncertain significance for GLUD1-related condition. Last evaluated: 2026-05-14. Review status: criteria provided, single submitter. Criteria: ACMG Guidelines, 2015. Collection method: clinical testing. Allele origin: germline.
Comment: The GLUD1 c.304G>C variant is predicted to result in the amino acid substitution p.Val102Leu. To our knowledge, this variant has not been reported in the literature or in a large population database (gnomAD), indicating this variant is rare. At this time, the clinical significance of this variant is uncertain due to the absence of conclusive functional and genetic evidence.